The following is an entry in ClinVar:

ClinVar aggregate classification (germline): Likely pathogenic (1 of 4 stars; one submission).

Conditions:
Cyclical neutropenia. Also called: Cyclic Neutropenia; Cyclic hematopoiesis. Identifiers: Orphanet 2686, MedGen C0221023, MONDO:0008090, OMIM 162800, HP:0040289. Disease mechanism: loss of function.

Submission:

Laboratorio de Genetica e Diagnostico Molecular, Hospital Israelita Albert Einstein
Classification: Likely pathogenic for Cyclical neutropenia. Last evaluated: 2022-10-07. Review status: criteria provided, single submitter. Criteria: ACMG Guidelines, 2015. Collection method: clinical testing. Allele origin: germline. Affected: yes. Observed: 1 variant allele.
Comment: ACMG classification criteria: PVS1 very strong, PM2 moderated

NM_001972.4(ELANE):c.731_732del (p.Ser244fs)

Gene: ELANE (elastase, neutrophil expressed; plus strand). Cytogenetic location: 19p13.3.
Variant type: Microsatellite.
Coding change: c.731_732del on transcript NM_001972.4 (MANE Select); coding-DNA positions 731 to 732, 2 bases deleted (CT; older notation c.731_732delCT).
Protein change: p.Ser244fs; shifts the reading frame from serine 244.
Molecular consequence: frameshift variant.
Genome position (GRCh38, 1-based): chr19:856,091-856,092, CT deleted; deleting any 2 consecutive bases within chr19:856,089-856,092 gives the same sequence; the c. name uses the placement nearest the transcript's 3' end. VCF-style (leftmost placement, unchanged base first): chr19-856088-ACT-A. GRCh37 (hg19) VCF-style: chr19-856088-ACT-A.
Other names: short protein forms S244fs.
Identifiers: ClinVar variation 2431429 (VCV002431429.1), dbSNP rs2512169449, ClinGen allele CA2580613009.